The following is an entry in ClinVar:

ClinVar aggregate classification (germline): Conflicting classifications of pathogenicity. Review status: criteria provided, conflicting classifications (1 of 4 stars). 11 submissions from 9 submitters: Uncertain significance (2); Benign (1); Likely benign (5). 3 of the submissions do not count toward it. Last evaluated 2026-02-01.

Conditions:
Usher syndrome type 1 (USH1). Also called: RETINITIS PIGMENTOSA AND CONGENITAL DEAFNESS. Identifiers: Orphanet 231169, Orphanet 886, MedGen C1568247, MONDO:0010168, OMIM 276900.
Autosomal recessive nonsyndromic hearing loss 2. Also called: NEUROSENSORY NONSYNDROMIC RECESSIVE DEAFNESS 2; DEAFNESS, AUTOSOMAL RECESSIVE 2. Identifiers: Orphanet 90636, MedGen C1838701, MONDO:0010807, OMIM 600060.
Autosomal dominant nonsyndromic hearing loss 11. Identifiers: Orphanet 90635, MedGen C1832475, MONDO:0011032, OMIM 601317.
Usher syndrome type 1B (USH1B). Also called: Usher syndrome type IB. Identifiers: MedGen C1848638, MONDO:0700087.

Allele frequency attached by ClinVar (database versions not stated): ExAC 0.00143; 1000 Genomes Project 0.00040; ESP Exome Variant Server 0.00049; TOPMed 0.00060; gnomAD 0.00072 and 0.00074; gnomAD exomes 0.00096 and 0.00113.
gnomAD v4.1: 1,520 of 1,613,852 alleles (0.094%); highest among the groups gnomAD compares: South Asian, 0.21%; 7 homozygotes.

Submissions (11):

Labcorp Genetics (formerly Invitae), Labcorp
Classification: Benign. Last evaluated: 2026-02-01. Review status: criteria provided, single submitter. Criteria: Invitae Variant Classification Sherloc (09022015). Collection method: clinical testing. Allele origin: germline.

CeGaT Center for Human Genetics Tuebingen
Classification: Likely benign. Last evaluated: 2026-01-01. Review status: criteria provided, single submitter. Criteria: CeGaT Center For Human Genetics Tuebingen Variant Classification Criteria Version 2. Collection method: clinical testing. Allele origin: germline. Affected: yes. Observed: 5 variant alleles.
Comment: MYO7A: BP4, BP7

Blueprint Genetics
Classification: Likely benign. Last evaluated: 2024-11-13. Review status: criteria provided, single submitter. Criteria: ACMG Guidelines, 2015. Collection method: clinical testing. Allele origin: germline.

GeneDx
Classification: Likely benign. Last evaluated: 2021-08-25. Review status: criteria provided, single submitter. Criteria: GeneDx Variant Classification Process June 2021. Collection method: clinical testing. Allele origin: germline. Affected: yes.

Illumina Laboratory Services, Illumina
Classification: Uncertain significance for Usher syndrome type 1. Last evaluated: 2018-01-12. Review status: criteria provided, single submitter. Criteria: ICSL Variant Classification Criteria 13 December 2019. Collection method: clinical testing. Allele origin: germline.

Illumina Laboratory Services, Illumina
Classification: Uncertain significance for Autosomal recessive nonsyndromic hearing loss 2. Last evaluated: 2018-01-12. Review status: criteria provided, single submitter. Criteria: ICSL Variant Classification Criteria 13 December 2019. Collection method: clinical testing. Allele origin: germline.

Illumina Laboratory Services, Illumina
Classification: Likely benign for Autosomal dominant nonsyndromic hearing loss 11. Last evaluated: 2018-01-12. Review status: criteria provided, single submitter. Criteria: ICSL Variant Classification Criteria 13 December 2019. Collection method: clinical testing. Allele origin: germline.
Comment: This variant was observed in the ICSL laboratory as part of a predisposition screen in an ostensibly healthy population. It had not been previously curated by ICSL or reported in the Human Gene Mutation Database (HGMD: prior to June 1st, 2018), and was therefore a candidate for classification through an automated scoring system. Utilizing variant allele frequency, disease prevalence and penetrance estimates, and inheritance mode, an automated score was calculated to assess if this variant is too frequent to cause the disease. Based on the score and internal cut-off values, a variant classified as likely benign is not then subjected to further curation. The score for this variant resulted in a classification of likely benign for this disease.

Laboratory for Molecular Medicine, Mass General Brigham Personalized Medicine
Classification: Likely benign. Last evaluated: 2017-09-14. Review status: criteria provided, single submitter. Criteria: LMM Criteria. Collection method: clinical testing. Allele origin: germline. Observed: 5 variant alleles.
Comment: p.His1968His in exon 43 of MYO7A: This variant is not expected to have clinical significance because it does not alter an amino acid residue and is not located within the splice consensus sequence. It has been identified in 0.17% (212/12656 2) of European chromosomes, including 2 homozygotes, by the Genome Aggregation D atabase (gnomAD; dbSNP rs41298753).

Natera, Inc.
Classification: Likely benign for Usher syndrome type 1B. Last evaluated: 2020-04-17. Review status: no assertion criteria provided. Collection method: clinical testing. Allele origin: germline. Not counted in ClinVar's aggregate classification.

Clinical Genetics DNA and cytogenetics Diagnostics Lab, Erasmus MC, Erasmus Medical Center
Classification: Likely benign. Review status: no assertion criteria provided. Collection method: clinical testing. Allele origin: germline. Affected: yes. Study: VKGL Data-share Consensus. Not counted in ClinVar's aggregate classification.

Clinical Genetics, Academic Medical Center
Classification: Benign. Review status: no assertion criteria provided. Collection method: clinical testing. Allele origin: germline. Affected: yes. Study: VKGL Data-share Consensus. Not counted in ClinVar's aggregate classification.

NM_000260.4(MYO7A):c.5904C>T (p.His1968=)

Gene: MYO7A (myosin VIIA; plus strand). Cytogenetic location: 11q13.5.
Variant type: single nucleotide variant.
Coding change: c.5904C>T on transcript NM_000260.4 (MANE Select); coding-DNA position 5904, C replaced by T.
Protein change: p.His1968=; no amino-acid change (histidine 1968 retained).
Molecular consequence: synonymous variant.
Genome position (GRCh38, 1-based): chr11:77,208,477, C>T. VCF-style: chr11-77208477-C-T. GRCh37 (hg19) VCF-style: chr11-76919522-C-T.
Other names: c.5790C>T, p.His1930= (NM_001127180.2); c.5757C>T, p.His1919= (NM_001369365.1).
Identifiers: ClinVar variation 43309 (VCV000043309.49), dbSNP rs41298753, ClinGen allele CA132410.